The following is an entry in ClinVar:

ClinVar aggregate classification (germline): Uncertain significance (1 of 4 stars; one submission).

Submission:

Labcorp Genetics (formerly Invitae), Labcorp
Classification: Uncertain significance. Last evaluated: 2022-06-13. Review status: criteria provided, single submitter. Criteria: Invitae Variant Classification Sherloc (09022015). Collection method: clinical testing. Allele origin: germline.
Comment: In summary, the available evidence is currently insufficient to determine the role of this variant in disease. Therefore, it has been classified as a Variant of Uncertain Significance. Algorithms developed to predict the effect of sequence changes on RNA splicing suggest that this variant may disrupt the consensus splice site. This variant has not been reported in the literature in individuals affected with CD96-related conditions. This variant is present in population databases (rs758838446, gnomAD 0.002%). This variant results in the deletion of part of exon 7 (c.856-17_864del) of the CD96 gene. It is expected to disrupt RNA splicing. Variants that disrupt the donor or acceptor splice site typically lead to a loss of protein function (PMID: 16199547), however the current clinical and genetic evidence is not sufficient to establish whether loss-of-function variants in CD96 cause disease.

Literature cited by the submitters: PubMed 16199547.

NM_005816.5(CD96):c.808-17_816del

Gene: CD96 (CD96 molecule; plus strand). Cytogenetic location: 3q13.13.
Variant type: Deletion.
Coding change: c.808-17_816del on transcript NM_005816.5 (MANE Select); 17 bases into the intron before coding-DNA position 808 through coding-DNA position 816, 26 bases deleted (TTCTGTCTTTACCCCAGAGAAGATTT).
Molecular consequence: splice acceptor variant.
Genome position (GRCh38, 1-based): chr3:111,598,103-111,598,128, TTCTGTCTTTACCCCAGAGAAGATTT deleted; deleting any 26 consecutive bases within chr3:111,598,100-111,598,128 gives the same sequence; the c. name uses the placement nearest the transcript's 3' end. VCF-style (leftmost placement, unchanged base first): chr3-111598099-CTTTTTCTGTCTTTACCCCAGAGAAGA-C. GRCh37 (hg19) VCF-style: chr3-111316946-CTTTTTCTGTCTTTACCCCAGAGAAGA-C.
Other names: c.856-17_864del (NM_198196.3); c.808-17_816del (NM_001318889.2).
Identifiers: ClinVar variation 1468484 (VCV001468484.7), dbSNP rs758838446, ClinGen allele CA2534525.